The following is an entry in ClinVar:

ClinVar aggregate classification (germline): Uncertain significance (1 of 4 stars; one submission).

gnomAD v4.1: 1 of 1,613,632 alleles (0.000062%); no homozygotes.

Submission:

CeGaT Center for Human Genetics Tuebingen
Classification: Uncertain significance. Last evaluated: 2022-12-01. Review status: criteria provided, single submitter. Criteria: CeGaT Center For Human Genetics Tuebingen Variant Classification Criteria Version 2. Collection method: clinical testing. Allele origin: germline. Affected: yes. Observed: 1 variant allele.
Comment: IL37: PM2, PM3:Supporting, BP4

NM_014439.4(IL37):c.133T>A (p.Phe45Ile)

Gene: IL37 (interleukin 37; plus strand). Cytogenetic location: 2q14.1.
Variant type: single nucleotide variant.
Coding change: c.133T>A on transcript NM_014439.4 (MANE Select); coding-DNA position 133, T replaced by A.
Protein change: p.Phe45Ile; replaces phenylalanine 45 with isoleucine.
Molecular consequence: missense variant. On other transcripts: intron variant (2).
Genome position (GRCh38, 1-based): chr2:112,913,842, T>A. VCF-style: chr2-112913842-T-A. GRCh37 (hg19) VCF-style: chr2-113671419-T-A.
Other names: c.133T>A, p.Phe45Ile (NM_173204.2); c.82+748T>A (NM_173202.2, NM_173203.2); short protein forms F45I.
Identifiers: ClinVar variation 1879483 (VCV001879483.29), dbSNP rs2467229989, ClinGen allele CA348353870.